The following is an entry in ClinVar:

ClinVar aggregate classification (germline): Uncertain significance (1 of 4 stars; one submission).

Conditions:
Cardiovascular phenotype. Identifiers: MedGen CN230736.

Submission:

Ambry Genetics
Classification: Uncertain significance for Cardiovascular phenotype. Last evaluated: 2021-06-23. Review status: criteria provided, single submitter. Criteria: Ambry Variant Classification Scheme 2023. Collection method: clinical testing. Allele origin: germline.
Comment: The p.R59C variant (also known as c.175C>T), located in coding exon 1 of the ALPK3 gene, results from a C to T substitution at nucleotide position 175. The arginine at codon 59 is replaced by cysteine, an amino acid with highly dissimilar properties. This amino acid position is conserved. In addition, this alteration is predicted to be tolerated by in silico analysis. Since supporting evidence is limited at this time, the clinical significance of this alteration remains unclear.

NM_020778.4(ALPK3):c.175C>T (p.Arg59Cys)

Gene: ALPK3 (alpha kinase 3; plus strand). Cytogenetic location: 15q25.3.
Variant type: single nucleotide variant.
Coding change: c.175C>T on transcript NM_020778.4; coding-DNA position 175, C replaced by T.
Protein change: p.Arg59Cys; replaces arginine 59 with cysteine.
Genome position (GRCh38, 1-based): chr15:84,817,021, C>T. VCF-style: chr15-84817021-C-T. GRCh37 (hg19) VCF-style: chr15-85360252-C-T.
Other names: short protein forms R59C.
Identifiers: ClinVar variation 1779547 (VCV001779547.2), dbSNP rs115389253, ClinGen allele CA393368372.